The following is an entry in ClinVar:

ClinVar aggregate classification (germline): Uncertain significance. Review status: criteria provided, multiple submitters, no conflicts (2 of 4 stars). 3 submissions from 3 submitters: Uncertain significance (3). Last evaluated 2026-01-21.

Conditions:
VPS13B-related disorder. Also called: VPS13B-related condition.
Cohen syndrome (COH1). Also called: Cutis verticis gyrata, retinitis pigmentosa, and sensorineural deafness; PEPPER SYNDROME. Identifiers: Orphanet 193, MedGen C0265223, MONDO:0008999, OMIM 216550.

Allele frequency attached by ClinVar (database versions not stated): gnomAD 0.00001; ExAC 0.00002; TOPMed 0.00002; gnomAD exomes 0.00003.
gnomAD v4.1: 8 of 1,613,084 alleles (0.0005%); highest among the groups gnomAD compares: Admixed American, 0.013%; no homozygotes.

Submissions (3):

GeneDx
Classification: Uncertain significance. Last evaluated: 2026-01-21. Review status: criteria provided, single submitter. Criteria: GeneDx Variant Classification Process June 2021. Collection method: clinical testing. Allele origin: germline.
Comment: In silico analysis suggests that this missense variant does not alter protein structure/function; Has not been previously published as pathogenic or benign to our knowledge

Labcorp Genetics (formerly Invitae), Labcorp
Classification: Uncertain significance for Cohen syndrome. Last evaluated: 2025-10-26. Review status: criteria provided, single submitter. Criteria: Invitae Variant Classification Sherloc (09022015). Collection method: clinical testing. Allele origin: germline.
Comment: This sequence change replaces threonine, which is neutral and polar, with isoleucine, which is neutral and non-polar, at codon 518 of the VPS13B protein (p.Thr518Ile). This variant is present in population databases (rs751932917, gnomAD 0.02%). This variant has not been reported in the literature in individuals affected with VPS13B-related conditions. ClinVar contains an entry for this variant (Variation ID: 1044758). Invitae Evidence Modeling of protein sequence and biophysical properties (such as structural, functional, and spatial information, amino acid conservation, physicochemical variation, residue mobility, and thermodynamic stability) indicates that this missense variant is not expected to disrupt VPS13B protein function with a negative predictive value of 80%. In summary, the available evidence is currently insufficient to determine the role of this variant in disease. Therefore, it has been classified as a Variant of Uncertain Significance.

PreventionGenetics, part of Exact Sciences
Classification: Uncertain significance for VPS13B-related condition. Last evaluated: 2025-10-06. Review status: criteria provided, single submitter. Criteria: ACMG Guidelines, 2015. Collection method: clinical testing. Allele origin: germline.
Comment: The VPS13B c.1553C>T variant is predicted to result in the amino acid substitution p.Thr518Ile. To our knowledge, this variant has not been reported in the literature. This variant is reported in 0.023% of alleles in individuals of Latino descent in gnomAD. At this time, the clinical significance of this variant is uncertain due to the absence of conclusive functional and genetic evidence.

NM_152564.5(VPS13B):c.1553C>T (p.Thr518Ile)

Gene: VPS13B (vacuolar protein sorting 13 homolog B; plus strand). Cytogenetic location: 8q22.2.
Variant type: single nucleotide variant.
Coding change: c.1553C>T on transcript NM_152564.5 (MANE Select); coding-DNA position 1553, C replaced by T.
Protein change: p.Thr518Ile; replaces threonine 518 with isoleucine.
Molecular consequence: missense variant.
Genome position (GRCh38, 1-based): chr8:99,135,723, C>T. VCF-style: chr8-99135723-C-T. GRCh37 (hg19) VCF-style: chr8-100147951-C-T.
Other names: c.1553C>T (NM_017890.3, NM_152564.4); c.1553C>T, p.Thr518Ile (NM_015243.3, NM_017890.5); short protein forms T518I.
Identifiers: ClinVar variation 1044758 (VCV001044758.8), dbSNP rs751932917, ClinGen allele CA4822653.